The following is an entry in ClinVar:

NM_000036.3(AMPD1):c.1148G>A (p.Gly383Glu)

Gene: AMPD1 (adenosine monophosphate deaminase 1; minus strand). Cytogenetic location: 1p13.2.
Variant type: single nucleotide variant.
Coding change: c.1148G>A on transcript NM_000036.3 (MANE Select); coding-DNA position 1148, G replaced by A.
Protein change: p.Gly383Glu; replaces glycine 383 with glutamic acid.
Molecular consequence: missense variant.
Genome position (GRCh38, 1-based): chr1:114,677,986, C>T on the plus strand (G>A on the coding strand, the complement: AMPD1 is on the minus strand). VCF-style: chr1-114677986-C-T. GRCh37 (hg19) VCF-style: chr1-115220607-C-T.
Other names: c.1136G>A, p.Gly379Glu (NM_001172626.2); short protein forms G379E, G383E.
Identifiers: ClinVar variation 1426002 (VCV001426002.7), dbSNP rs769460760, ClinGen allele CA1020206.

ClinVar aggregate classification (germline): Uncertain significance (1 of 4 stars; one submission).

Conditions:
Muscle AMP deaminase deficiency (MMDD). Also called: AMPD1 DEFICIENCY; ADENOSINE MONOPHOSPHATE DEAMINASE-1 DEFICIENCY, MYOPATHY DUE TO; Myoadenylate deaminase deficiency, myopathy due to; Adenosine monophosphate deaminase 1 deficiency; AMP deaminase 1 deficiency; Adenosine Monophosphate Deaminase 1. Identifiers: Orphanet 45, MedGen C3714933, MONDO:0014220, OMIM 615511.

Allele frequency attached by ClinVar (database versions not stated): gnomAD exomes below 0.00001; TOPMed below 0.00001; ExAC 0.00001.
gnomAD v4.1: 2 of 1,613,818 alleles (0.00012%); highest among the groups gnomAD compares: South Asian, 0.0011%; no homozygotes.

Submission:

Labcorp Genetics (formerly Invitae), Labcorp
Classification: Uncertain significance for Muscle AMP deaminase deficiency. Last evaluated: 2024-11-17. Review status: criteria provided, single submitter. Criteria: Invitae Variant Classification Sherloc (09022015). Collection method: clinical testing. Allele origin: germline.
Comment: This sequence change replaces glycine, which is neutral and non-polar, with glutamic acid, which is acidic and polar, at codon 416 of the AMPD1 protein (p.Gly416Glu). This variant is present in population databases (rs769460760, gnomAD 0.003%). This variant has not been reported in the literature in individuals affected with AMPD1-related conditions. ClinVar contains an entry for this variant (Variation ID: 1426002). Invitae Evidence Modeling of protein sequence and biophysical properties (such as structural, functional, and spatial information, amino acid conservation, physicochemical variation, residue mobility, and thermodynamic stability) has been performed for this missense variant. However, the output from this modeling did not meet the statistical confidence thresholds required to predict the impact of this variant on AMPD1 protein function. In summary, the available evidence is currently insufficient to determine the role of this variant in disease. Therefore, it has been classified as a Variant of Uncertain Significance.